The following is an entry in ClinVar:

ClinVar aggregate classification (germline): Uncertain significance (1 of 4 stars; one submission).

Conditions:
Cardiovascular phenotype. Identifiers: MedGen CN230736.

Submission:

Ambry Genetics
Classification: Uncertain significance for Cardiovascular phenotype. Last evaluated: 2026-01-20. Review status: criteria provided, single submitter. Criteria: Ambry Variant Classification Scheme 2023. Collection method: clinical testing. Allele origin: germline.
Comment: The c.4471C>T (p.P1491S) alteration is located in exon 36 (coding exon 36) of the CACNA1C gene. This alteration results from a C to T substitution at nucleotide position 4471, causing the proline (P) at amino acid position 1491 to be replaced by a serine (S). This variant was not reported in population-based cohorts in the Genome Aggregation Database (gnomAD). This amino acid position is highly conserved in available vertebrate species. This missense alteration is located in a region that has a low rate of benign missense variation (Lek, 2016; Firth, 2009). This alteration is predicted to be deleterious by in silico analysis. Based on insufficient or conflicting evidence, the clinical significance of this alteration remains unclear.

NM_000719.7(CACNA1C):c.4471C>T (p.Pro1491Ser)

Gene: CACNA1C (calcium voltage-gated channel subunit alpha1 C; plus strand). Cytogenetic location: 12p13.33.
Variant type: single nucleotide variant.
Coding change: c.4471C>T on transcript NM_000719.7 (MANE Select); coding-DNA position 4471, C replaced by T.
Protein change: p.Pro1491Ser; replaces proline 1491 with serine.
Molecular consequence: missense variant.
Genome position (GRCh38, 1-based): chr12:2,665,653, C>T. VCF-style: chr12-2665653-C-T. GRCh37 (hg19) VCF-style: chr12-2774819-C-T.
Other names: c.4438C>T, p.Pro1480Ser (NM_001129837.2, NM_001129838.2, NM_001129846.2 and 1 more transcripts); c.4432C>T, p.Pro1478Ser (NM_001129839.2); c.4471C>T, p.Pro1491Ser (NM_001129840.2, NM_001129841.2, NM_001129842.2 and 7 more transcripts); c.4462C>T, p.Pro1488Ser (NM_001129844.2); c.4615C>T, p.Pro1539Ser (NM_199460.4, NM_001129827.2); c.4537C>T, p.Pro1513Ser (NM_001129829.2); c.4555C>T, p.Pro1519Ser (NM_001129831.2); c.4531C>T, p.Pro1511Ser (NM_001129832.2); and 1 more; short protein forms P1488S, P1519S, P1513S, P1539S, P1491S, P1478S, P1480S, P1508S.
Identifiers: ClinVar variation 4839278 (VCV004839278.1).